The following is an entry in ClinVar:

NM_000123.4(ERCC5):c.482A>G (p.Asp161Gly)

Genes: BIVM-ERCC5 (BIVM-ERCC5 readthrough; plus strand), ERCC5 (ERCC excision repair 5, endonuclease; plus strand). Cytogenetic location: 13q33.1.
Variant type: single nucleotide variant.
Coding change: c.482A>G on transcript NM_000123.4 (MANE Select); coding-DNA position 482, A replaced by G.
Protein change: p.Asp161Gly; replaces aspartic acid 161 with glycine.
Molecular consequence: missense variant.
Genome position (GRCh38, 1-based): chr13:102,856,066, A>G. VCF-style: chr13-102856066-A-G. GRCh37 (hg19) VCF-style: chr13-103508416-A-G.
Other names: c.1844A>G, p.Asp615Gly (NM_001204425.2); short protein forms D161G, D615G.
Identifiers: ClinVar variation 4882880 (VCV004882880.2).

ClinVar aggregate classification (germline): Uncertain significance (1 of 4 stars; one submission).

Submission:

Dasa
Classification: Uncertain significance. Last evaluated: 2025-05-23. Review status: criteria provided, single submitter. Criteria: DASA Assertion Criteria. Collection method: clinical testing. Allele origin: germline.
Comment: NM_000123.4(ERCC5):c.482A>G (p.Asp161Gly) is a missense variant that results in the substitution of aspartic acid with glycine. This variant is rare in population databases. Computational prediction algorithms are consistent with a benign effect. The currently available literature and clinical evidence are not sufficient to establish a definitive association between this variant and the reported condition. Therefore, this variant is classified as a variant of uncertain significance.